The following is an entry in ClinVar:

ClinVar aggregate classification (germline): Pathogenic/Likely pathogenic. Review status: criteria provided, multiple submitters, no conflicts (2 of 4 stars). 2 submissions from 2 submitters: Pathogenic (1); Likely pathogenic (1). Last evaluated 2022-10-28.

Conditions:
X-linked agammaglobulinemia with growth hormone deficiency (IGHD3). Also called: HYPOGAMMAGLOBULINEMIA AND ISOLATED GROWTH HORMONE DEFICIENCY, X-LINKED; IGHD III; ISOLATED GROWTH HORMONE DEFICIENCY, TYPE III, WITH AGAMMAGLOBULINEMIA; Isolated growth hormone deficiency type 3; Growth hormone deficiency with hypogammaglobulinemia; AGAMMAGLOBULINEMIA AND ISOLATED GROWTH HORMONE DEFICIENCY, X-LINKED. Identifiers: Orphanet 231692, Orphanet 631, MedGen C0472813, MONDO:0010615, OMIM 307200.
X-linked agammaglobulinemia (XLA). Also called: Agammaglobulinemia, Bruton tyrosine kinase; Agammaglobulinemia, BTK; BTK-deficiency; Bruton's agammaglobulinemia; IMMUNODEFICIENCY 1; Bruton-type agammaglobulinemia. Identifiers: Orphanet 229717, Orphanet 47, MedGen C0221026, MONDO:0010421, OMIM 300755.

Submissions (2):

Labcorp Genetics (formerly Invitae), Labcorp
Classification: Pathogenic for X-linked agammaglobulinemia with growth hormone deficiency. Last evaluated: 2022-10-28. Review status: criteria provided, single submitter. Criteria: Invitae Variant Classification Sherloc (09022015). Collection method: clinical testing. Allele origin: germline.
Comment: Algorithms developed to predict the effect of sequence changes on RNA splicing suggest that this variant may disrupt the consensus splice site. ClinVar contains an entry for this variant (Variation ID: 35762). Disruption of this splice site has been observed in individuals with clinical features of X-linked agammaglobulinemia (PMID: 10844531, 19419768; Invitae). This sequence change affects an acceptor splice site in intron 8 of the BTK gene. It is expected to disrupt RNA splicing. Variants that disrupt the donor or acceptor splice site typically lead to a loss of protein function (PMID: 16199547), and loss-of-function variants in BTK are known to be pathogenic (PMID: 15661032, 16862044, 19419768). This variant is not present in population databases (gnomAD no frequency). For these reasons, this variant has been classified as Pathogenic.

Women's Health and Genetics/Laboratory Corporation of America, LabCorp
Classification: Likely pathogenic for X-linked Agammaglobulinemia. Last evaluated: 2011-08-18. Review status: criteria provided, single submitter. Criteria: LabCorp Variant Classification Summary - May 2015. Collection method: curation, clinical testing. Allele origin: germline. Inheritance: Xlinked unknown. Affected: yes.
ClinVar note: Converted during submission from likely pathogenic to Likely pathogenic.

Literature cited by the submitters: PubMed 10844531 (cited by Labcorp Genetics (formerly Invitae), Labcorp); PubMed 19419768 (cited by Labcorp Genetics (formerly Invitae), Labcorp); PubMed 16199547 (cited by Labcorp Genetics (formerly Invitae), Labcorp); PubMed 15661032 (cited by Labcorp Genetics (formerly Invitae), Labcorp); PubMed 16862044 (cited by Labcorp Genetics (formerly Invitae), Labcorp).

NM_000061.3(BTK):c.777-2A>G

Gene: BTK (Bruton tyrosine kinase; minus strand). Cytogenetic location: Xq22.1.
Variant type: single nucleotide variant.
Coding change: c.777-2A>G on transcript NM_000061.3 (MANE Select); the canonical splice acceptor site of the intron before coding-DNA position 777, A replaced by G.
Molecular consequence: splice acceptor variant.
Genome position (GRCh38, 1-based): chrX:101,360,152, T>C on the plus strand (A>G on the coding strand, the complement: BTK is on the minus strand). VCF-style: chrX-101360152-T-C. GRCh37 (hg19) VCF-style: chrX-100615140-T-C.
Other names: c.879-2A>G (NM_001287344.2); c.777-2A>G (NM_001287345.2).
Identifiers: ClinVar variation 35762 (VCV000035762.13), dbSNP rs193922129, ClinGen allele CA260195.
Genomic context (GRCh38, chrX:101,360,152, plus strand): 5'-ACATTTCTATGGAGTCTTCTGCTTCAGTGACATAGTTACTAGGAATGTAGCCTTCCTGCC[T>C]GTGAAGGAAACAATGTGGCAGTTCATCCAGCACCTCCCCAGCCTCCAGGAGACAGATTCA-3'